The following is an entry in ClinVar:

NC_000007.13:g.(?_124510955)_(124537227_?)del

Gene: POT1 (protection of telomeres 1; minus strand). Cytogenetic location: 7q31.33.
Variant type: Deletion.
Identifiers: ClinVar variation 1025033 (VCV001025033.6).

ClinVar aggregate classification (germline): Pathogenic (1 of 4 stars; one submission).

Conditions:
Tumor predisposition syndrome 3 (TPDS3). Also called: Glioma susceptibility 9; LONG TELOMERE SYNDROME, POT1-RELATED; POT1 Tumor Predisposition; Melanoma, cutaneous malignant, susceptibility to, 10. Identifiers: Orphanet 618, MedGen C4014476, MONDO:0014368, OMIM 615848.

Submission:

Labcorp Genetics (formerly Invitae), Labcorp
Classification: Pathogenic for Tumor predisposition syndrome 3. Last evaluated: 2023-05-07. Review status: criteria provided, single submitter. Criteria: Invitae Variant Classification Sherloc (09022015). Collection method: clinical testing. Allele origin: germline.
Comment: For these reasons, this variant has been classified as Pathogenic. This variant has not been reported in the literature in individuals affected with POT1-related conditions. This variant is a gross deletion of the genomic region encompassing exon(s) 5-7 of the POT1 gene, which includes the initiator codon. This deletion extends beyond the assayed region for this gene and therefore may encompass additional genes. It is expected to result in an absent or disrupted protein product. Loss-of-function variants in POT1 are known to be pathogenic (PMID: 32155570).

Literature cited by the submitters: PubMed 32155570.